The following is an entry in ClinVar:

ClinVar aggregate classification (germline): Uncertain significance (1 of 4 stars; one submission).

Conditions:
Hypertrophic cardiomyopathy. Also called: HYPERTROPHIC MYOCARDIOPATHY. Identifiers: Orphanet 217569, MedGen C0007194, MeSH D002312, MONDO:0005045, HP:0001639.

Submission:

Labcorp Genetics (formerly Invitae), Labcorp
Classification: Uncertain significance for Hypertrophic cardiomyopathy. Last evaluated: 2021-12-23. Review status: criteria provided, single submitter. Criteria: Invitae Variant Classification Sherloc (09022015). Collection method: clinical testing. Allele origin: germline.
Comment: This sequence change replaces glutamic acid, which is acidic and polar, with valine, which is neutral and non-polar, at codon 374 of the MYH7 protein (p.Glu374Val). This variant is not present in population databases (gnomAD no frequency). This missense change has been observed in individual(s) with hypertrophic cardiomyopathy (PMID: 27532257). Algorithms developed to predict the effect of missense changes on protein structure and function are either unavailable or do not agree on the potential impact of this missense change (SIFT: "Deleterious"; PolyPhen-2: "Probably Damaging"; Align-GVGD: "Class C0"). This variant is found within a region of MYH7 between codons 181 and 937 that contains the majority of the myosin head domain. Missense variants in this region have been shown to be significantly overrepresented in individuals with hypertrophic cardiomyopathy (PMID: 27532257). In summary, the available evidence is currently insufficient to determine the role of this variant in disease. Therefore, it has been classified as a Variant of Uncertain Significance.

Literature cited by the submitters: PubMed 27532257.

NM_000257.4(MYH7):c.1121A>T (p.Glu374Val)

Gene: MYH7 (myosin heavy chain 7; minus strand). Cytogenetic location: 14q11.2.
Variant type: single nucleotide variant.
Coding change: c.1121A>T on transcript NM_000257.4 (MANE Select); coding-DNA position 1121, A replaced by T.
Protein change: p.Glu374Val; replaces glutamic acid 374 with valine.
Molecular consequence: missense variant.
Genome position (GRCh38, 1-based): chr14:23,429,792, T>A on the plus strand (A>T on the coding strand, the complement: MYH7 is on the minus strand). VCF-style: chr14-23429792-T-A. GRCh37 (hg19) VCF-style: chr14-23899001-T-A.
Other names: c.1121A>T, p.Glu374Val (NM_001407004.1); short protein forms E374V.
Identifiers: ClinVar variation 2137566 (VCV002137566.4), dbSNP rs1489128381, ClinGen allele CA389051308.